The following is an entry in ClinVar:

ClinVar aggregate classification (germline): Uncertain significance. Review status: criteria provided, multiple submitters, no conflicts (2 of 4 stars). 2 submissions from 2 submitters: Uncertain significance (2). Last evaluated 2024-07-29.

Conditions:
BRCA2-related cancer predisposition. Identifiers: MedGen CN377758, MONDO:0700269.
Hereditary cancer-predisposing syndrome. Also called: Neoplastic Syndromes, Hereditary; Tumor predisposition; Hereditary neoplastic syndrome; Hereditary Cancer Syndrome. Identifiers: Orphanet 140162, MedGen C0027672, MeSH D009386, MONDO:0015356.

Submissions (2):

All of Us Research Program, National Institutes of Health
Classification: Uncertain significance for BRCA2-related cancer predisposition. Last evaluated: 2024-07-29. Review status: criteria provided, single submitter. Criteria: ACMG Guidelines, 2015. Collection method: clinical testing. Allele origin: germline. Inheritance: Autosomal dominant inheritance. Observed: 1 variant allele, 1 heterozygote.
Comment: This missense variant replaces phenylalanine with serine at codon 2921 of the BRCA2 protein. Computational prediction suggests that this variant may not impact protein structure and function (internally defined REVEL score threshold <= 0.5, PMID: 27666373). To our knowledge, functional studies have not been reported for this variant. This variant has not been reported in individuals affected with BRCA2-related disorders in the literature. This variant has not been identified in the general population by the Genome Aggregation Database (gnomAD). The available evidence is insufficient to determine the role of this variant in disease conclusively. Therefore, this variant is classified as a Variant of Uncertain Significance.

This study involves interpretation of variants in research participants for the purpose of population health screening. Participant phenotype was not available at the time of variant classification. Additional details can be found in publication PMID: 35346344, PMCID: PMC8962531

Ambry Genetics
Classification: Uncertain significance for Hereditary cancer-predisposing syndrome. Last evaluated: 2023-02-24. Review status: criteria provided, single submitter. Criteria: Ambry Variant Classification Scheme 2023. Collection method: clinical testing. Allele origin: germline.
Comment: The p.F2921S variant (also known as c.8762T>C), located in coding exon 21 of the BRCA2 gene, results from a T to C substitution at nucleotide position 8762. The phenylalanine at codon 2921 is replaced by serine, an amino acid with highly dissimilar properties. This amino acid position is conserved. In addition, the in silico prediction for this alteration is inconclusive. Since supporting evidence is limited at this time, the clinical significance of this alteration remains unclear.

NM_000059.4(BRCA2):c.8762T>C (p.Phe2921Ser)

Gene: BRCA2 (BRCA2 DNA repair associated; plus strand). Cytogenetic location: 13q13.1.
Variant type: single nucleotide variant.
Coding change: c.8762T>C on transcript NM_000059.4 (MANE Select); coding-DNA position 8762, T replaced by C.
Protein change: p.Phe2921Ser; replaces phenylalanine 2921 with serine.
Molecular consequence: missense variant. On other transcripts: non-coding transcript variant (1).
Genome position (GRCh38, 1-based): chr13:32,379,324, T>C. VCF-style: chr13-32379324-T-C. GRCh37 (hg19) VCF-style: chr13-32953461-T-C.
Other names: c.8666T>C, p.Phe2889Ser (NM_001406719.1); c.8762T>C, p.Phe2921Ser (NM_001406720.1); c.3830T>C, p.Phe1277Ser (NM_001406721.1); c.2345T>C, p.Phe782Ser (NM_001406722.1); short protein forms F1277S, F2921S, F782S, F2889S.
Identifiers: ClinVar variation 2451571 (VCV002451571.3), dbSNP rs2548554916, ClinGen allele CA387755744.